The following is an entry in ClinVar:

NM_003742.4(ABCB11):c.1392dup (p.Leu465fs)

Gene: ABCB11 (ATP binding cassette subfamily B member 11; minus strand). Cytogenetic location: 2q31.1.
Variant type: Duplication.
Coding change: c.1392dup on transcript NM_003742.4 (MANE Select); coding-DNA position 1392, one base duplicated (A; older notation c.1392dupA).
Protein change: p.Leu465fs; shifts the reading frame from leucine 465.
Molecular consequence: frameshift variant.
Genome position (GRCh38, 1-based): chr2:168,973,757, T duplicated on the plus strand (A on the coding strand, the reverse complement: ABCB11 is on the minus strand). VCF-style (leftmost placement, unchanged base first): chr2-168973756-G-GT. GRCh37 (hg19) VCF-style: chr2-169830266-G-GT.
Other names: short protein forms L465fs.
Identifiers: ClinVar variation 4846089 (VCV004846089.1).
Genomic context (GRCh38, chr2:168,973,756, plus strand): 5'-GTTTCTGGAAGACACCCACCATTCCTTCACAGGGGTCATAGAATCGCTGAATGAGTTGCA[G>GT]TGCTGTACTTTTTCCAGCTCCACTGGGTCCTACCAGAGCTGTCATTTCCCCTGGTTTAAT-3'

ClinVar aggregate classification (germline): Pathogenic (1 of 4 stars; one submission).

Conditions:
Familial intrahepatic cholestasis. Identifiers: Orphanet 284385, MedGen CN296401, MONDO:0017290.

Submission:

Genomenon, Inc
Classification: Pathogenic for Familial intrahepatic cholestasis. Last evaluated: 2026-04-14. Review status: criteria provided, single submitter. Criteria: Genomenon Sequence Variant Interpretation Standards - Updated. Collection method: curation. Allele origin: germline. Affected: yes.
Comment: ABCB11 p.Leu465ThrfsTer9 (c.1392dup) is a frameshift variant that results in the production of a truncated protein which is predicted to undergo nonsense-mediated mRNA decay. This variant has been observed in at least one proband with an ABCB11-related disorder (PMID:32087350). It is absent or not present at a significant frequency in gnomAD. In conclusion, we classify ABCB11 p.Leu465ThrfsTer9 (c.1392dup) as a pathogenic variant.

Literature cited by the submitters: PubMed 32087350.